The following is an entry in ClinVar:

NM_001029896.2(WDR45):c.-12C>T

Genes: WDR45 (WD repeat domain 45; minus strand), LOC126863256 (BRD4-independent group 4 enhancer GRCh37_chrX:48934848-48936047; plus strand). Cytogenetic location: Xp11.23.
Variant type: single nucleotide variant.
Coding change: c.-12C>T on transcript NM_001029896.2 (MANE Select); 12 bases upstream of the start codon, C replaced by T.
Molecular consequence: 5 prime UTR variant.
Genome position (GRCh38, 1-based): chrX:49,078,107, G>A on the plus strand (C>T on the coding strand, the complement: WDR45 is on the minus strand). VCF-style: chrX-49078107-G-A. GRCh37 (hg19) VCF-style: chrX-48935766-G-A.
Other names: c.-12C>T (NM_007075.4).
Identifiers: ClinVar variation 514271 (VCV000514271.1), dbSNP rs782603489, ClinGen allele CA10408649.
Genomic context (GRCh38, chrX:49,078,107, plus strand): 5'-CTTGGTTGAAACGCAGGCTGGTCACTCCTCGAAGTGGCTGTTGAGTCATGGTGCAGGATT[G>A]TTCCTCTGCATACAAATGGGATAAAGATGAGAAGAGTCCTGGAATCTCCCCTCCAAGTTC-3'

ClinVar aggregate classification (germline): Likely benign (1 of 4 stars; one submission).

Allele frequency attached by ClinVar (database versions not stated): gnomAD exomes 0.00002; ExAC 0.00002.
gnomAD v4.1: 26 of 1,210,331 alleles (0.0021%); highest among the groups gnomAD compares: Non-Finnish European, 0.0029%; no homozygotes.

Submission:

GeneDx
Classification: Likely benign. Last evaluated: 2018-01-04. Review status: criteria provided, single submitter. Criteria: GeneDx Variant Classification (06012015). Collection method: clinical testing. Allele origin: germline. Affected: yes.
Comment: This variant is considered likely benign or benign based on one or more of the following criteria: it is a conservative change, it occurs at a poorly conserved position in the protein, it is predicted to be benign by multiple in silico algorithms, and/or has population frequency not consistent with disease.